The following is an entry in ClinVar:

NM_172107.4(KCNQ2):c.927+1G>T

Gene: KCNQ2 (potassium voltage-gated channel subfamily Q member 2; minus strand). Cytogenetic location: 20q13.33.
Variant type: single nucleotide variant.
Coding change: c.927+1G>T on transcript NM_172107.4 (MANE Select); the canonical splice donor site of the intron after coding-DNA position 927, G replaced by T.
Molecular consequence: splice donor variant.
Genome position (GRCh38, 1-based): chr20:63,439,597, C>A on the plus strand (G>T on the coding strand, the complement: KCNQ2 is on the minus strand). VCF-style: chr20-63439597-C-A. GRCh37 (hg19) VCF-style: chr20-62070950-C-A.
Other names: c.927+1G>T (NM_004518.6, NM_172108.5, NM_172106.3 and 2 more transcripts).
Identifiers: ClinVar variation 1458660 (VCV001458660.7), dbSNP rs1555870346, ClinGen allele CA409652419.

ClinVar aggregate classification (germline): Pathogenic (1 of 4 stars; one submission).

Conditions:
Early-infantile DEE. Also called: Early infantile epileptic encephalopathy with suppression bursts; Early infantile epileptic encephalopathy; Ohtahara syndrome. Identifiers: Orphanet 1934, MedGen C0393706, MONDO:0800491.

Submission:

Labcorp Genetics (formerly Invitae), Labcorp
Classification: Pathogenic for Early-infantile DEE. Last evaluated: 2024-10-16. Review status: criteria provided, single submitter. Criteria: Invitae Variant Classification Sherloc (09022015). Collection method: clinical testing. Allele origin: germline.
Comment: This sequence change affects a donor splice site in intron 6 of the KCNQ2 gene. It is expected to disrupt RNA splicing. Variants that disrupt the donor or acceptor splice site typically lead to a loss of protein function (PMID: 16199547), and loss-of-function variants in KCNQ2 are known to be pathogenic (PMID: 14534157, 23692823, 27779742). This variant is not present in population databases (gnomAD no frequency). Disruption of this splice site has been observed in individual(s) with epileptic encephalopathy (PMID: 25951140). In at least one individual the variant was observed to be de novo. ClinVar contains an entry for this variant (Variation ID: 1458660). Algorithms developed to predict the effect of sequence changes on RNA splicing suggest that this variant may disrupt the consensus splice site. For these reasons, this variant has been classified as Pathogenic.

Literature cited by the submitters: PubMed 16199547; PubMed 14534157; PubMed 23692823; PubMed 27779742; PubMed 25951140.